The following is an entry in ClinVar:

NM_014391.3(ANKRD1):c.109G>A (p.Val37Ile)

Gene: ANKRD1 (ankyrin repeat domain 1; minus strand). Cytogenetic location: 10q23.31.
Variant type: single nucleotide variant.
Coding change: c.109G>A on transcript NM_014391.3 (MANE Select); coding-DNA position 109, G replaced by A.
Protein change: p.Val37Ile; replaces valine 37 with isoleucine.
Molecular consequence: missense variant.
Genome position (GRCh38, 1-based): chr10:90,920,267, C>T on the plus strand (G>A on the coding strand, the complement: ANKRD1 is on the minus strand). VCF-style: chr10-90920267-C-T. GRCh37 (hg19) VCF-style: chr10-92680024-C-T.
Other names: short protein forms V37I.
Identifiers: ClinVar variation 978292 (VCV000978292.5), dbSNP rs1401851050, ClinGen allele CA377553891.

ClinVar aggregate classification (germline): Uncertain significance. Review status: criteria provided, multiple submitters, no conflicts (2 of 4 stars). 2 submissions from 2 submitters: Uncertain significance (2). Last evaluated 2023-06-27.

Conditions:
ANKRD1-related dilated cardiomyopathy. Identifiers: MedGen CN119551.
Hypertrophic cardiomyopathy 1 (CMH1). Also called: Familial hypertrophic cardiomyopathy 1; MYH7-Related Familial Hypertrophic Cardiomyopathy. Identifiers: MedGen C3495498, MONDO:0008647, OMIM 192600.

Allele frequency attached by ClinVar (database versions not stated): TOPMed below 0.00001; gnomAD 0.00001.
gnomAD v4.1: 5 of 1,614,074 alleles (0.00031%); highest among the groups gnomAD compares: Non-Finnish European, 0.00034%; no homozygotes.

Submissions (2):

Labcorp Genetics (formerly Invitae), Labcorp
Classification: Uncertain significance for ANKRD1-related dilated cardiomyopathy. Last evaluated: 2023-06-27. Review status: criteria provided, single submitter. Criteria: Invitae Variant Classification Sherloc (09022015). Collection method: clinical testing. Allele origin: germline.
Comment: In summary, the available evidence is currently insufficient to determine the role of this variant in disease. Therefore, it has been classified as a Variant of Uncertain Significance. Algorithms developed to predict the effect of missense changes on protein structure and function output the following: SIFT: "Not Available"; PolyPhen-2: "Benign"; Align-GVGD: "Not Available". The isoleucine amino acid residue is found in multiple mammalian species, which suggests that this missense change does not adversely affect protein function. ClinVar contains an entry for this variant (Variation ID: 978292). This variant has not been reported in the literature in individuals affected with ANKRD1-related conditions. This variant is not present in population databases (gnomAD no frequency). This sequence change replaces valine, which is neutral and non-polar, with isoleucine, which is neutral and non-polar, at codon 37 of the ANKRD1 protein (p.Val37Ile).

Molecular Diagnostic Laboratory for Inherited Cardiovascular Disease, Montreal Heart Institute
Classification: Uncertain significance for Hypertrophic cardiomyopathy 1. Last evaluated: 2019-07-10. Review status: criteria provided, single submitter. Criteria: ACMG Guidelines, 2015. Collection method: clinical testing. Allele origin: germline. Affected: yes.